The following is an entry in ClinVar:

NM_152743.4(BRAT1):c.2395C>T (p.Pro799Ser)

Gene: BRAT1 (BRCA1 associated ATM activator 1; minus strand). Cytogenetic location: 7p22.3.
Variant type: single nucleotide variant.
Coding change: c.2395C>T on transcript NM_152743.4 (MANE Select); coding-DNA position 2395, C replaced by T.
Protein change: p.Pro799Ser; replaces proline 799 with serine.
Molecular consequence: missense variant. On other transcripts: non-coding transcript variant (1).
Genome position (GRCh38, 1-based): chr7:2,538,140, G>A on the plus strand (C>T on the coding strand, the complement: BRAT1 is on the minus strand). VCF-style: chr7-2538140-G-A. GRCh37 (hg19) VCF-style: chr7-2577774-G-A.
Other names: c.2575C>T, p.Pro859Ser (NM_001350626.2); c.1870C>T, p.Pro624Ser (NM_001350627.2); short protein forms P799S, P624S, P859S.
Identifiers: ClinVar variation 540173 (VCV000540173.8), dbSNP rs762276921, ClinGen allele CA366622925.
Genomic context (GRCh38, chr7:2,538,140, plus strand): 5'-CGGCCTCGTCCCCCTGCAGGAAGCCTCCCGTGGCCAGCATGTCCTGCAGGAGGGACTGGG[G>A]ACTCTTTTCCACGTGGTCGCTGCTCTCGGCCAGCGTGCTCCGCAGGCCCTCCAGGTCTAG-3'
Protein context (NP_689956.2, residues 789-809): AESSDHVEKS[Pro799Ser]QSLLQDMLAT

ClinVar aggregate classification (germline): Uncertain significance. Review status: criteria provided, multiple submitters, no conflicts (2 of 4 stars). 3 submissions from 3 submitters: Uncertain significance (3). Last evaluated 2026-03-19.

Conditions:
Neonatal-onset encephalopathy with rigidity and seizures. Also called: Lethal neonatal spasticity-epileptic encephalopathy syndrome. Identifiers: Orphanet 435845, MedGen C3281029, MONDO:0013784, OMIM 614498.

Submissions (3):

Women's Health and Genetics/Laboratory Corporation of America, LabCorp
Classification: Uncertain significance. Last evaluated: 2026-03-19. Review status: criteria provided, single submitter. Criteria: LabCorp Variant Classification Summary - May 2015. Collection method: clinical testing. Allele origin: germline.
Comment: Variant summary: BRAT1 c.2395C>T (p.Pro799Ser) results in a non-conservative amino acid change in the encoded protein sequence. Algorithms developed to predict the effect of missense changes on protein structure and function are either unavailable or do not agree on the potential impact of this missense change. The variant was absent in 242914 control chromosomes. The available data on variant occurrences in the general population are insufficient to allow any conclusion about variant significance. To our knowledge, no occurrence of c.2395C>T in individuals affected with BRAT1-related conditions and no experimental evidence demonstrating its impact on protein function have been reported. ClinVar contains an entry for this variant (Variation ID: 540173). Based on the evidence outlined above, the variant was classified as uncertain significance.

GeneDx
Classification: Uncertain significance. Last evaluated: 2025-03-19. Review status: criteria provided, single submitter. Criteria: GeneDx Variant Classification Process June 2021. Collection method: clinical testing. Allele origin: germline. Affected: yes.
Comment: Not observed at significant frequency in large population cohorts (gnomAD); In silico analysis supports that this missense variant has a deleterious effect on protein structure/function; Has not been previously published as pathogenic or benign to our knowledge

Labcorp Genetics (formerly Invitae), Labcorp
Classification: Uncertain significance for Neonatal-onset encephalopathy with rigidity and seizures. Last evaluated: 2021-08-28. Review status: criteria provided, single submitter. Criteria: Invitae Variant Classification Sherloc (09022015). Collection method: clinical testing. Allele origin: germline.
Comment: This sequence change replaces proline with serine at codon 799 of the BRAT1 protein (p.Pro799Ser). The proline residue is highly conserved and there is a moderate physicochemical difference between proline and serine. This variant is not present in population databases (ExAC no frequency). This variant has not been reported in the literature in individuals affected with BRAT1-related conditions. Algorithms developed to predict the effect of missense changes on protein structure and function are either unavailable or do not agree on the potential impact of this missense change (SIFT: "Tolerated"; PolyPhen-2: "Possibly Damaging"; Align-GVGD: "Class C25"). In summary, the available evidence is currently insufficient to determine the role of this variant in disease. Therefore, it has been classified as a Variant of Uncertain Significance.